The following is an entry in ClinVar:

ClinVar aggregate classification (germline): Uncertain significance (1 of 4 stars; one submission).

Conditions:
Bifunctional peroxisomal enzyme deficiency (DBIF). Also called: DBP DEFICIENCY; D-bifunctional protein deficiency; PBFE DEFICIENCY. Identifiers: Orphanet 300, MedGen C0342870, MONDO:0009855, OMIM 261515. Disease mechanism: loss of function.
Perrault syndrome. Also called: Gonadal dysgenesis with auditory dysfunction, autosomal recessive inheritance. Identifiers: Orphanet 2855, MedGen C0685838, MONDO:0017312.

Allele frequency attached by ClinVar (database versions not stated): TOPMed 0.00001.
gnomAD v4.1: 1 of 1,604,066 alleles (0.000062%); highest among the groups gnomAD compares: South Asian, 0.0011%; no homozygotes.

Submission:

Labcorp Genetics (formerly Invitae), Labcorp
Classification: Uncertain significance for Perrault syndrome; Bifunctional peroxisomal enzyme deficiency. Last evaluated: 2022-04-18. Review status: criteria provided, single submitter. Criteria: Invitae Variant Classification Sherloc (09022015). Collection method: clinical testing. Allele origin: germline.
Comment: This sequence change replaces tyrosine, which is neutral and polar, with histidine, which is basic and polar, at codon 414 of the HSD17B4 protein (p.Tyr414His). This variant is present in population databases (no rsID available, gnomAD 0.003%). This variant has not been reported in the literature in individuals affected with HSD17B4-related conditions. Advanced modeling of protein sequence and biophysical properties (such as structural, functional, and spatial information, amino acid conservation, physicochemical variation, residue mobility, and thermodynamic stability) performed at Invitae indicates that this missense variant is not expected to disrupt HSD17B4 protein function. In summary, the available evidence is currently insufficient to determine the role of this variant in disease. Therefore, it has been classified as a Variant of Uncertain Significance.

NM_000414.4(HSD17B4):c.1240T>C (p.Tyr414His)

Gene: HSD17B4 (hydroxysteroid 17-beta dehydrogenase 4; plus strand). Cytogenetic location: 5q23.1.
Variant type: single nucleotide variant.
Coding change: c.1240T>C on transcript NM_000414.4 (MANE Select); coding-DNA position 1240, T replaced by C.
Protein change: p.Tyr414His; replaces tyrosine 414 with histidine.
Molecular consequence: missense variant. On other transcripts: non-coding transcript variant (2).
Genome position (GRCh38, 1-based): chr5:119,502,071, T>C. VCF-style: chr5-119502071-T-C. GRCh37 (hg19) VCF-style: chr5-118837766-T-C.
Other names: c.1315T>C, p.Tyr439His (NM_001199291.3); c.1186T>C, p.Tyr396His (NM_001199292.2); c.1168T>C, p.Tyr390His (NM_001292027.2); c.820T>C, p.Tyr274His (NM_001292028.2); c.1231T>C, p.Tyr411His (NM_001374497.1); c.1240T>C, p.Tyr414His (NM_001374498.1); c.913T>C, p.Tyr305His (NM_001374499.1); c.799T>C, p.Tyr267His (NM_001374500.1); and 1 more; short protein forms Y267H, Y396H, Y411H, Y277H, Y274H, Y305H, Y390H, Y414H.
Identifiers: ClinVar variation 2148472 (VCV002148472.1), dbSNP rs1418072786, ClinGen allele CA360868435.